The following is an entry in ClinVar:

ClinVar aggregate classification (germline): Likely benign (1 of 4 stars; one submission).

gnomAD v4.1: 3 of 1,608,080 alleles (0.00019%); highest among the groups gnomAD compares: Non-Finnish European, 0.00025%; no homozygotes.

Submission:

CeGaT Center for Human Genetics Tuebingen
Classification: Likely benign. Last evaluated: 2024-11-01. Review status: criteria provided, single submitter. Criteria: CeGaT Center For Human Genetics Tuebingen Variant Classification Criteria Version 2. Collection method: clinical testing. Allele origin: germline. Affected: yes. Observed: 1 variant allele.
Comment: PNPLA6: BP4, BP7

NM_001166114.2(PNPLA6):c.1176T>C (p.Pro392=)

Gene: PNPLA6 (patatin like domain 6, lysophospholipase; plus strand). Cytogenetic location: 19p13.2.
Variant type: single nucleotide variant.
Coding change: c.1176T>C on transcript NM_001166114.2 (MANE Select); coding-DNA position 1176, T replaced by C.
Protein change: p.Pro392=; no amino-acid change (proline 392 retained).
Molecular consequence: synonymous variant.
Genome position (GRCh38, 1-based): chr19:7,541,991, T>C. VCF-style: chr19-7541991-T-C. GRCh37 (hg19) VCF-style: chr19-7606877-T-C.
Other names: c.1203T>C, p.Pro401= (NM_001166111.2); c.1059T>C, p.Pro353= (NM_001166112.2, NM_001166113.1, NM_006702.5).
Identifiers: ClinVar variation 3390048 (VCV003390048.14).
Genomic context (GRCh38, chr19:7,541,991, plus strand): 5'-TAATCCTCCTAGTGGCTCTGAGGGGCAGGAGCCTGAACATGTGTCTCCCCCAGGGGACCC[T>C]GTGAAGCCCACATCCCTGGAAACCCCCTCGGCCCCTCTGCTGAGCCGCTGCGTCTCCATG-3'
Protein context (NP_001159586.1, residues 382-402): GAPLPGPTGD[Pro392=]VKPTSLETPS